The following is an entry in ClinVar:

ClinVar aggregate classification (germline): Uncertain significance (1 of 4 stars; one submission).

Allele frequency attached by ClinVar (database versions not stated): gnomAD exomes 0.00007 and 0.00024; 1000 Genomes Project 30x 0.00016; gnomAD 0.00031 and 0.00036.
gnomAD v4.1: 156 of 1,612,662 alleles (0.0097%); highest among the groups gnomAD compares: African/African-American, 0.11%; 2 homozygotes.

Submission:

Labcorp Genetics (formerly Invitae), Labcorp
Classification: Uncertain significance. Last evaluated: 2025-11-23. Review status: criteria provided, single submitter. Criteria: Invitae Variant Classification Sherloc (09022015). Collection method: clinical testing. Allele origin: germline.
Comment: This sequence change replaces arginine, which is basic and polar, with cysteine, which is neutral and slightly polar, at codon 647 of the SUCO protein (p.Arg647Cys). This variant is present in population databases (rs202045718, gnomAD 0.1%), and has an allele count higher than expected for a pathogenic variant. This variant has not been reported in the literature in individuals affected with SUCO-related conditions. ClinVar contains an entry for this variant (Variation ID: 1402618). An algorithm developed to predict the effect of missense changes on protein structure and function (PolyPhen-2) suggests that this variant is likely to be tolerated. In summary, the available evidence is currently insufficient to determine the role of this variant in disease. Therefore, it has been classified as a Variant of Uncertain Significance.

NM_014283.5(SUCO):c.1939C>T (p.Arg647Cys)

Gene: SUCO (SUN domain containing ossification factor; plus strand). Cytogenetic location: 1q24.3.
Variant type: single nucleotide variant.
Coding change: c.1939C>T on transcript NM_014283.5 (MANE Select); coding-DNA position 1939, C replaced by T.
Protein change: p.Arg647Cys; replaces arginine 647 with cysteine.
Molecular consequence: missense variant. On other transcripts: intron variant (1).
Genome position (GRCh38, 1-based): chr1:172,589,040, C>T. VCF-style: chr1-172589040-C-T. GRCh37 (hg19) VCF-style: chr1-172558180-C-T.
Other names: c.250C>T, p.Arg84Cys (NM_001282751.2); c.2392C>T, p.Arg798Cys (NM_016227.4); c.1712+116C>T (NM_001282750.2); short protein forms R647C, R84C, R798C.
Identifiers: ClinVar variation 1402618 (VCV001402618.6), dbSNP rs202045718, ClinGen allele CA1246989.